The following is an entry in ClinVar:

ClinVar aggregate classification (germline): Conflicting classifications of pathogenicity. Review status: criteria provided, conflicting classifications (1 of 4 stars). 7 submissions from 7 submitters: Uncertain significance (2); Benign (2); Likely benign (2). 1 of the submissions does not count toward it. Last evaluated 2026-01-27.

Conditions:
Inborn genetic diseases. Identifiers: MedGen C0950123, MeSH D030342.
USH2A-related disorder. Also called: USH2A-related condition; USH2A-related disorders. Identifiers: MedGen CN239332.

Allele frequency attached by ClinVar (database versions not stated): gnomAD exomes 0.00008 and 0.00026; ExAC 0.00035; gnomAD 0.00072 and 0.00075; TOPMed 0.00083; 1000 Genomes Project 30x 0.00094; ESP Exome Variant Server 0.00100; 1000 Genomes Project 0.00120.
gnomAD v4.1: 235 of 1,614,130 alleles (0.015%); highest among the groups gnomAD compares: African/African-American, 0.26%; no homozygotes.

Submissions (7):

Labcorp Genetics (formerly Invitae), Labcorp
Classification: Likely benign. Last evaluated: 2026-01-27. Review status: criteria provided, single submitter. Criteria: Invitae Variant Classification Sherloc (09022015). Collection method: clinical testing. Allele origin: germline.

Ambry Genetics
Classification: Uncertain significance for Inborn genetic diseases. Last evaluated: 2025-08-02. Review status: criteria provided, single submitter. Criteria: Ambry Variant Classification Scheme 2023. Collection method: clinical testing. Allele origin: germline.

Blueprint Genetics
Classification: Likely benign. Last evaluated: 2024-08-21. Review status: criteria provided, single submitter. Criteria: ACMG Guidelines, 2015. Collection method: clinical testing. Allele origin: germline.

GeneDx
Classification: Uncertain significance. Last evaluated: 2021-08-26. Review status: criteria provided, single submitter. Criteria: GeneDx Variant Classification Process June 2021. Collection method: clinical testing. Allele origin: germline. Affected: yes.
Comment: In silico analysis supports that this missense variant does not alter protein structure/function; Has not been previously published as pathogenic or benign to our knowledge

Eurofins Ntd Llc (ga)
Classification: Benign. Last evaluated: 2016-04-08. Review status: criteria provided, single submitter. Criteria: EGL Classification Definitions 2015. Collection method: clinical testing. Allele origin: germline. Observed: 1 variant allele, 1 heterozygote.

Laboratory for Molecular Medicine, Mass General Brigham Personalized Medicine
Classification: Benign. Last evaluated: 2014-09-09. Review status: criteria provided, single submitter. Criteria: LMM Criteria. Collection method: clinical testing. Allele origin: germline. Observed: 1 variant allele.
Comment: Val4016Met in exon 61 of USH2A: This variant is not expected to have clinical si gnificance because it has been identified in 3.1% (6/186) of African chromosomes by the 1000 Genomes Project (rs138803855). It has also been identified in 0.3% (13/4404) of African American chromosomes by the NHLBI Exome sequencing project, and the valine (Val) residue at position 4 016 is not conserved with squirrel, jerboa, prairie vole, rabbit, and aardvark h aving a methionine (Met).

PreventionGenetics, part of Exact Sciences
Classification: Likely benign for USH2A-related condition. Last evaluated: 2023-11-20. Review status: no assertion criteria provided. Collection method: clinical testing. Allele origin: germline. Not counted in ClinVar's aggregate classification.
Comment: This variant is classified as likely benign based on ACMG/AMP sequence variant interpretation guidelines (Richards et al. 2015 PMID: 25741868, with internal and published modifications).

NM_206933.4(USH2A):c.12046G>A (p.Val4016Met)

Gene: USH2A (usherin; minus strand). Cytogenetic location: 1q41.
Variant type: single nucleotide variant.
Coding change: c.12046G>A on transcript NM_206933.4 (MANE Select); coding-DNA position 12046, G replaced by A.
Protein change: p.Val4016Met; replaces valine 4016 with methionine.
Molecular consequence: missense variant.
Genome position (GRCh38, 1-based): chr1:215,728,050, C>T on the plus strand (G>A on the coding strand, the complement: USH2A is on the minus strand). VCF-style: chr1-215728050-C-T. GRCh37 (hg19) VCF-style: chr1-215901392-C-T.
Other names: short protein forms V4016M.
Identifiers: ClinVar variation 166439 (VCV000166439.26), dbSNP rs138803855, ClinGen allele CA179519.